The following is an entry in ClinVar:

NM_004004.6(GJB2):c.439G>A (p.Glu147Lys)

Gene: GJB2 (gap junction protein beta 2; minus strand). Cytogenetic location: 13q12.11.
Variant type: single nucleotide variant.
Coding change: c.439G>A on transcript NM_004004.6 (MANE Select); coding-DNA position 439, G replaced by A.
Protein change: p.Glu147Lys; replaces glutamic acid 147 with lysine.
Molecular consequence: missense variant.
Genome position (GRCh38, 1-based): chr13:20,189,143, C>T on the plus strand (G>A on the coding strand, the complement: GJB2 is on the minus strand). VCF-style: chr13-20189143-C-T. GRCh37 (hg19) VCF-style: chr13-20763282-C-T.
Other names: short protein forms E147K.
Identifiers: ClinVar variation 371709 (VCV000371709.71), dbSNP rs767178508, ClinGen allele CA6904269.

ClinVar aggregate classification (germline): Pathogenic. Review status: criteria provided, multiple submitters, no conflicts (2 of 4 stars). 15 submissions from 14 submitters: Pathogenic (10). 5 of the submissions do not count toward it. Last evaluated 2025-04-29.

Conditions:
Autosomal dominant keratitis-ichthyosis-hearing loss syndrome. Also called: Senter syndrome; HID SYNDROME; KID SYNDROME, AUTOSOMAL DOMINANT. Identifiers: Orphanet 477, MedGen C0265336, MONDO:0007850, OMIM 148210.
Knuckle pads, deafness AND leukonychia syndrome. Also called: Bart-Pumphrey syndrome. Identifiers: Orphanet 2698, MedGen C0266004, MONDO:0007866, OMIM 149200.
Autosomal recessive nonsyndromic hearing loss 1A (DFNB1A). Also called: GJB6-Related DFNB 1 Nonsyndromic Hearing Loss and Deafness; Deafness, autosomal recessive 1A; Nonsyndromic Hearing Loss and Deafness, DFNB1; GJB2-Related Autosomal Recessive Nonsyndromic Hearing Loss; Connexin 26 deafness; Deafness nonsyndromic, Connexin 26 linked. Identifiers: Orphanet 90636, MedGen C2673759, MONDO:0009076, OMIM 220290.
Palmoplantar keratoderma-deafness syndrome. Also called: Keratoderma palmoplantar, with deafness; Palmoplantar keratoderma and sensorineural deafness; Hereditary palmoplantar keratoderma with deafness (subtype); Focal palmoplantar keratoderma with sensorineural deafness (subtype); Diffuse palmoplantar keratoderma with deafness (subtype). Identifiers: Orphanet 2202, MedGen C1835672, MONDO:0007852, OMIM 148350.
Ichthyosis, hystrix-like, with hearing loss. Also called: Hystrix-like ichthyosis with deafness. Identifiers: Orphanet 477, MedGen C1865234, MONDO:0011245.
Autosomal dominant nonsyndromic hearing loss 3A. Identifiers: Orphanet 90635, MedGen C2675750, MONDO:0011103, OMIM 601544.
Mutilating keratoderma (VOWNKL). Also called: Keratoderma hereditarium mutilans. Identifiers: Orphanet 494, MedGen C0265964, MONDO:0007422, OMIM 124500.
Nonsyndromic genetic hearing loss. Also called: Non-syndromic genetic deafness; Nonsyndromic genetic deafness; Nonsyndromic hearing loss and deafness. Identifiers: Orphanet 87884, MedGen C5680182, MONDO:0019497.
GJB2-related disorder. Also called: GJB2-related condition; GJB2-related disorders. Identifiers: MedGen CN382183, MONDO:1060236.
Rare genetic deafness. Identifiers: Orphanet 96210, MedGen C5680250.

Allele frequency attached by ClinVar (database versions not stated): ExAC 0.00001; TOPMed 0.00002; gnomAD 0.00004; gnomAD exomes 0.00001 and 0.00003.

Submissions 1 to 10 of 15:

GeneDx
Classification: Pathogenic. Last evaluated: 2025-04-29. Review status: criteria provided, single submitter. Criteria: GeneDx Variant Classification Process June 2021. Collection method: clinical testing. Allele origin: germline. Affected: yes.
Comment: In silico analysis supports that this missense variant has a deleterious effect on protein structure/function; This variant is associated with the following publications: (PMID: 15253766, 26188157, 25149764, 29921236, 30168495, 29542069, 14676473, 19371219, 14985372, 16380907, 16125251, 17567887, 20022641, 21465647, 26346709, 25388846, 26043044, 30094485, 31215297, 30989077, 30344259, 21131880, 31160754, 30275481, 32645618, 33096615, 31589614, 29871260, 37108562, 36048236, 31541171, 31827275)

Natera, Inc.
Classification: Pathogenic for Autosomal recessive deafness type 1A. Last evaluated: 2025-03-10. Review status: criteria provided, single submitter. Criteria: Natera Variant Classification Schema (03/2026). Collection method: clinical testing. Allele origin: germline.
Comment: The c.439G>A variant in GJB2 is a missense variant predicted to cause substitution of glutamic acid to lysine at amino acid 147. This variant is rare in the general population with a frequency below the threshold expected for the associated phenotype(s). This variant has been observed in one or more individuals affected with the associated recessive disease, as either homozygous or compound heterozygous with a second variant (PMID: 14676473, 20022641, 31379920, 14985372, 15253766, 16380907). Additionally, this variant has been observed to segregate in affected family members (PMID: 14676473). Computational prediction algorithms indicate this variant is likely to affect gene or protein function. Given the available evidence, this variant is classified as Pathogenic.

Labcorp Genetics (formerly Invitae), Labcorp
Classification: Pathogenic. Last evaluated: 2024-07-27. Review status: criteria provided, single submitter. Criteria: Invitae Variant Classification Sherloc (09022015). Collection method: clinical testing. Allele origin: germline.
Comment: This sequence change replaces glutamic acid, which is acidic and polar, with lysine, which is basic and polar, at codon 147 of the GJB2 protein (p.Glu147Lys). This variant is present in population databases (rs767178508, gnomAD 0.003%). This missense change has been observed in individual(s) with autosomal recessive non-syndromic deafness (PMID: 14676473, 21465647, 30168495, 30344259). It has also been observed to segregate with disease in related individuals. ClinVar contains an entry for this variant (Variation ID: 371709). Advanced modeling of protein sequence and biophysical properties (such as structural, functional, and spatial information, amino acid conservation, physicochemical variation, residue mobility, and thermodynamic stability) performed at Invitae indicates that this missense variant is expected to disrupt GJB2 protein function with a positive predictive value of 95%. For these reasons, this variant has been classified as Pathogenic.

Fulgent Genetics
Classification: Pathogenic for Mutilating keratoderma; Autosomal dominant keratitis-ichthyosis-hearing loss syndrome; Palmoplantar keratoderma-deafness syndrome; Knuckle pads, deafness AND leukonychia syndrome; Autosomal recessive nonsyndromic hearing loss 1A; Autosomal dominant nonsyndromic hearing loss 3A. Last evaluated: 2024-05-01. Review status: criteria provided, single submitter. Criteria: ACMG Guidelines, 2015. Collection method: clinical testing. Allele origin: germline.

Blueprint Genetics
Classification: Pathogenic for GJB2-related disorders. Last evaluated: 2023-05-19. Review status: criteria provided, single submitter. Criteria: ACMG Guidelines, 2015. Collection method: clinical testing. Allele origin: germline. Affected: yes. Observed: 4 variant alleles.

INGEBI, INGEBI / CONICET
Classification: Pathogenic for Nonsyndromic hearing loss and deafness. Last evaluated: 2020-08-21. Review status: criteria provided, single submitter. Criteria: ClinGen HL ACMG Specifications v1. Collection method: clinical testing. Allele origin: germline. Inheritance: Autosomal recessive inheritance. Affected: yes. Observed: 1 variant allele, 1 heterozygote.
Comment: Based on ACMG/AMP guidelines and Hearing Loss Expert Panel specific criteria: the c.439G>A, p.(Glu147Lys) was observed only once in South Asian, Latino and European non-Finnish populations from Genome Aggregation Database, meeting PM2 criteria. This was detected in trans with at least 4 different pathogenic variants applying to PM3_VeryStrong rule (PMID: 14676473, 21131880, 14985372, 21465647, 26043044). Besides, it segregated in three affected siblings with congenital moderate-profound hearing loss meeting PP1_Moderate criteria (PMID:14676473). Computational evidence predicted a damage impact of the mutation to the protein (REVEL score: 0,94; PP3). In summary, this variant meets criteria to be classified as pathogenic for autosomal recessive non-syndromic hearing loss: PM2, PM3_VeryStrong, PP1_Moderate and PP3.

CeGaT Center for Human Genetics Tuebingen
Classification: Pathogenic. Last evaluated: 2019-10-01. Review status: criteria provided, single submitter. Criteria: CeGaT Center For Human Genetics Tuebingen Variant Classification Criteria Version 2. Collection method: clinical testing. Allele origin: germline. Affected: yes. Observed: 1 variant allele.

Laboratory for Molecular Medicine, Mass General Brigham Personalized Medicine
Classification: Pathogenic for Rare genetic deafness. Last evaluated: 2018-09-21. Review status: criteria provided, single submitter. Criteria: LMM Criteria. Collection method: clinical testing. Allele origin: germline. Inheritance: Autosomal recessive inheritance. Observed: 1 variant allele.
Comment: The p.Glu147Lys variant in GJB2 has been reported in 8 individuals with hearing loss, including 3 homozygotes and 5 individuals who were compound heterozygous f or a second pathogenic variant (Cryns 2004, de Oliveira 2007, Dodson 2011, Frei 2004, Gravina 2010, Lin 2011, Snoeckx 2005, Zheng 2015). In addition, the varian t segregated in the homozygous state in two affected siblings in one family (Fre i 2004). This variant is present in 3/245794 total chromosomes by gnomAD, which is low enough to be consistent with a recessi ve carrier frequency. Computational prediction tools and conservation analysis s uggest an impact to the protein. In summary, this variant meets criteria to be c lassified as pathogenic for autosomal recessive hearing loss. ACMG/AMP criteria applied: PM3_VeryStrong, PM2, PP1_Moderate, PP3.

Victorian Clinical Genetics Services, Murdoch Childrens Research Institute
Classification: Pathogenic for Autosomal recessive nonsyndromic hearing loss 1A. Last evaluated: 2017-08-04. Review status: criteria provided, single submitter. Criteria: ACMG Guidelines, 2015. Collection method: clinical testing. Allele origin: unknown. Affected: yes.
Comment: A heterozygous missense variant was identified, NM_004004.5(GJB2):c.439G>A in exon 2 of the GJB2 gene. This substitution creates a minor amino acid change from a glutamic acid to a lysine at position 147, NP_003995.2(GJB2):p.(Glu147Lys). The glutamic acid at this position has very high conservation (100 vertebrates, UCSC) and in silico predictions of the pathogenicity of this variant are conflicting (Polyphen, SIFT, CADD, Mutation Taster).This variant is present in the gnomAD population database at a frequency of 0.001% and it has been previously reported in patients with autosomal recessive deafness (ClinVar, Frei, K. et al. (2004) and Cryns, K. et al. (2004)).It is situated in the third transmembrane domain, which has been shown to be essential for protein function (Frei K. et al. (2004). Based on current information and in association with the NM_004004.5(GJB2):c.35delG deletion variant, this variant has been classified as PATHOGENIC.The presence of these two variants suggests a possible compound heterozygous mode of inheritance which is consistent with autosomal recessive deafness.

ARUP Laboratories, Molecular Genetics and Genomics, ARUP Laboratories
Classification: Pathogenic. Last evaluated: 2016-08-15. Review status: criteria provided, single submitter. Criteria: ARUP Molecular Germline Variant Investigation Process. Collection method: clinical testing. Allele origin: germline.